The following is an entry in ClinVar:

NM_004656.4(BAP1):c.1730-13C>T

Gene: BAP1 (BRCA1 associated deubiquitinase 1; minus strand). Cytogenetic location: 3p21.1.
Variant type: single nucleotide variant.
Coding change: c.1730-13C>T on transcript NM_004656.4 (MANE Select); 13 bases into the intron before coding-DNA position 1730, C replaced by T.
Molecular consequence: intron variant.
Genome position (GRCh38, 1-based): chr3:52,403,311, G>A on the plus strand (C>T on the coding strand, the complement: BAP1 is on the minus strand). VCF-style: chr3-52403311-G-A. GRCh37 (hg19) VCF-style: chr3-52437327-G-A.
Identifiers: ClinVar variation 629899 (VCV000629899.7), dbSNP rs559555349, ClinGen allele CA2436728.

ClinVar aggregate classification (germline): Conflicting classifications of pathogenicity. Review status: criteria provided, conflicting classifications (1 of 4 stars). 3 submissions from 3 submitters: Uncertain significance (1); Likely benign (2). Last evaluated 2024-07-17.

Conditions:
BAP1-related tumor predisposition syndrome (TPDS1). Also called: Tumor susceptibility linked to germline BAP1 mutations; BAP1 tumor predisposition syndrome; TUMOR PREDISPOSITION SYNDROME 1; COMMON Syndrome. Identifiers: Orphanet 289539, MedGen C3280492, MONDO:0013692, OMIM 614327.
Hereditary cancer-predisposing syndrome. Also called: Neoplastic Syndromes, Hereditary; Tumor predisposition; Hereditary neoplastic syndrome; Hereditary Cancer Syndrome. Identifiers: Orphanet 140162, MedGen C0027672, MeSH D009386, MONDO:0015356.

Allele frequency attached by ClinVar (database versions not stated): gnomAD exomes below 0.00001; TOPMed below 0.00001; ExAC 0.00001; 1000 Genomes Project 30x 0.00016; 1000 Genomes Project 0.00020.

Submissions (3):

Myriad Genetics, Inc.
Classification: Likely benign for BAP1-related tumor predisposition syndrome. Last evaluated: 2024-07-17. Review status: criteria provided, single submitter. Criteria: Myriad Autosomal Dominant, Autosomal Recessive and X-Linked Classification Criteria (2023). Collection method: clinical testing. Allele origin: unknown.
Comment: This variant is considered likely benign. This variant is intronic and is not expected to impact mRNA splicing.

Labcorp Genetics (formerly Invitae), Labcorp
Classification: Likely benign for BAP1-related tumor predisposition syndrome. Last evaluated: 2024-07-13. Review status: criteria provided, single submitter. Criteria: Invitae Variant Classification Sherloc (09022015). Collection method: clinical testing. Allele origin: germline.

Color Diagnostics, LLC DBA Color Health
Classification: Uncertain significance for Hereditary cancer-predisposing syndrome. Last evaluated: 2019-02-01. Review status: criteria provided, single submitter. Criteria: ACMG Guidelines, 2015. Collection method: clinical testing. Allele origin: germline.